The following is an entry in ClinVar:

NM_016203.4(PRKAG2):c.1006-228T>G

Gene: PRKAG2 (protein kinase AMP-activated non-catalytic subunit gamma 2; minus strand). Cytogenetic location: 7q36.1.
Variant type: single nucleotide variant.
Coding change: c.1006-228T>G on transcript NM_016203.4 (MANE Select); 228 bases into the intron before coding-DNA position 1006, T replaced by G.
Molecular consequence: intron variant.
Genome position (GRCh38, 1-based): chr7:151,572,937, A>C on the plus strand (T>G on the coding strand, the complement: PRKAG2 is on the minus strand). VCF-style: chr7-151572937-A-C. GRCh37 (hg19) VCF-style: chr7-151270023-A-C.
Other names: c.874-228T>G (NM_001040633.2); c.631-228T>G (NM_001304527.2); c.634-228T>G (NM_001363698.2); c.283-228T>G (NM_001304531.2, NM_024429.2).
Identifiers: ClinVar variation 668601 (VCV000668601.1), dbSNP rs113731249, ClinGen allele CA169167209.

ClinVar aggregate classification (germline): Benign (1 of 4 stars; one submission).

Allele frequency attached by ClinVar (database versions not stated): 1000 Genomes Project 0.11981; 1000 Genomes Project 30x 0.12430; gnomAD 0.14625 and 0.15008; TOPMed 0.15169.
gnomAD v4.1: 22,139 of 151,866 alleles (15%); highest among the groups gnomAD compares: African/African-American, 18%; 1,733 homozygotes.

Submission:

GeneDx
Classification: Benign. Last evaluated: 2018-06-19. Review status: criteria provided, single submitter. Criteria: GeneDx Variant Classification (06012015). Collection method: clinical testing. Allele origin: germline. Affected: yes.
Comment: This variant is considered likely benign or benign based on one or more of the following criteria: it is a conservative change, it occurs at a poorly conserved position in the protein, it is predicted to be benign by multiple in silico algorithms, and/or has population frequency not consistent with disease.